The following is an entry in ClinVar:

ClinVar aggregate classification (germline): Uncertain significance (1 of 4 stars; one submission).

Conditions:
Predisposition to invasive fungal disease due to CARD9 deficiency (IMD103). Also called: CARD9 IMMUNODEFICIENCY; IMMUNODEFICIENCY 103, SUSCEPTIBILITY TO FUNGAL INFECTIONS; Candidiasis, familial, 2, autosomal recessive. Identifiers: Orphanet 457088, MedGen C1859353, MONDO:0008905, OMIM 212050.

Submission:

Labcorp Genetics (formerly Invitae), Labcorp
Classification: Uncertain significance for Predisposition to invasive fungal disease due to CARD9 deficiency. Last evaluated: 2024-10-16. Review status: criteria provided, single submitter. Criteria: Invitae Variant Classification Sherloc (09022015). Collection method: clinical testing. Allele origin: germline.
Comment: This sequence change replaces aspartic acid, which is acidic and polar, with tyrosine, which is neutral and polar, at codon 479 of the CARD9 protein (p.Asp479Tyr). This variant is not present in population databases (gnomAD no frequency). This variant has not been reported in the literature in individuals affected with CARD9-related conditions. ClinVar contains an entry for this variant (Variation ID: 2008615). An algorithm developed to predict the effect of missense changes on protein structure and function (PolyPhen-2) suggests that this variant is likely to be tolerated. In summary, the available evidence is currently insufficient to determine the role of this variant in disease. Therefore, it has been classified as a Variant of Uncertain Significance.

NM_052813.5(CARD9):c.1435G>T (p.Asp479Tyr)

Gene: CARD9 (caspase recruitment domain family member 9; minus strand). Cytogenetic location: 9q34.3.
Variant type: single nucleotide variant.
Coding change: c.1435G>T on transcript NM_052813.5 (MANE Select); coding-DNA position 1435, G replaced by T.
Protein change: p.Asp479Tyr; replaces aspartic acid 479 with tyrosine.
Molecular consequence: missense variant.
Genome position (GRCh38, 1-based): chr9:136,364,559, C>A on the plus strand (G>T on the coding strand, the complement: CARD9 is on the minus strand). VCF-style: chr9-136364559-C-A. GRCh37 (hg19) VCF-style: chr9-139259011-C-A.
Other names: c.1435G>T, p.Asp479Tyr (NM_052814.4); short protein forms D479Y.
Identifiers: ClinVar variation 2008615 (VCV002008615.4), dbSNP rs909815670, ClinGen allele CA375541619.